The following is an entry in ClinVar:

NM_016507.4(CDK12):c.802A>C (p.Ser268Arg)

Genes: CDK12 (cyclin dependent kinase 12; plus strand), LOC126862553 (CDK7 strongly-dependent group 2 enhancer GRCh37_chr17:37618166-37619365; plus strand). Cytogenetic location: 17q12.
Variant type: single nucleotide variant.
Coding change: c.802A>C on transcript NM_016507.4 (MANE Select); coding-DNA position 802, A replaced by C.
Protein change: p.Ser268Arg; replaces serine 268 with arginine.
Molecular consequence: missense variant.
Genome position (GRCh38, 1-based): chr17:39,462,873, A>C. VCF-style: chr17-39462873-A-C. GRCh37 (hg19) VCF-style: chr17-37619126-A-C.
Other names: c.802A>C, p.Ser268Arg (NM_015083.4); short protein forms S268R.
Identifiers: ClinVar variation 4868509 (VCV004868509.1).
Genomic context (GRCh38, chr17:39,462,873, plus strand): 5'-CTTAGTCCCTCACGATCTCATACCTCGAGCAATTATGACTCCTACAAGAAAAGTCCTGGA[A>C]GTACCTCGAGAAGGCAGTCGGTCAGTCCCCCTTACAAGGAGCCTTCGGCCTACCAGTCCA-3'
Protein context (NP_057591.2, residues 258-278): NYDSYKKSPG[Ser268Arg]TSRRQSVSPP

ClinVar aggregate classification (germline): Uncertain significance (1 of 4 stars; one submission).

Submission:

Ambry Genetics
Classification: Uncertain significance. Last evaluated: 2026-04-26. Review status: criteria provided, single submitter. Criteria: Ambry Variant Classification Scheme 2023. Collection method: clinical testing. Allele origin: germline.
Comment: The p.S268R variant (also known as c.802A>C), located in coding exon 1 of the CDK12 gene, results from an A to C substitution at nucleotide position 802. The serine at codon 268 is replaced by arginine, an amino acid with dissimilar properties. This amino acid position is conserved. In addition, this alteration is predicted to be tolerated by in silico analysis. Based on the available evidence, the clinical significance of this variant remains unclear.